The following is an entry in ClinVar:

ClinVar aggregate classification (germline): Conflicting classifications of pathogenicity. Review status: criteria provided, conflicting classifications (1 of 4 stars). 3 submissions from 3 submitters: Uncertain significance (1); Likely benign (2). Last evaluated 2025-05-26.

Conditions:
Charcot-Marie-Tooth disease type 4. Also called: Charcot-Marie-Tooth disease, type IV; Charcot-Marie-Tooth, Type 4. Identifiers: Orphanet 64749, MedGen C4082197, MONDO:0018995.

Allele frequency attached by ClinVar (database versions not stated): gnomAD exomes 0.00001; ExAC 0.00002; gnomAD 0.00003; TOPMed 0.00003; 1000 Genomes Project 30x 0.00016; 1000 Genomes Project 0.00020.
gnomAD v4.1: 21 of 1,614,222 alleles (0.0013%); highest among the groups gnomAD compares: South Asian, 0.0099%; no homozygotes.

Submissions (3):

Labcorp Genetics (formerly Invitae), Labcorp
Classification: Likely benign for Charcot-Marie-Tooth disease type 4. Last evaluated: 2025-05-26. Review status: criteria provided, single submitter. Criteria: Invitae Variant Classification Sherloc (09022015). Collection method: clinical testing. Allele origin: germline.

Athena Diagnostics
Classification: Likely benign. Last evaluated: 2025-02-13. Review status: criteria provided, single submitter. Criteria: Athena Diagnostics Criteria. Collection method: clinical testing. Allele origin: unknown.
Comment: Computational tools yielded predictions that this variant is unlikely to have an effect on normal RNA splicing. This nucleotide position exhibits low evolutionary conservation. This variant has been seen where an alternate explanation for disease was also identified.

CeGaT Center for Human Genetics Tuebingen
Classification: Uncertain significance. Last evaluated: 2018-07-01. Review status: criteria provided, single submitter. Criteria: CeGaT Center For Human Genetics Tuebingen Variant Classification Criteria Version 2. Collection method: clinical testing. Allele origin: germline. Affected: yes. Observed: 1 variant allele.

NM_024577.4(SH3TC2):c.3363G>A (p.Ala1121=)

Gene: SH3TC2 (SH3 domain and tetratricopeptide repeats 2; minus strand). Cytogenetic location: 5q32.
Variant type: single nucleotide variant.
Coding change: c.3363G>A on transcript NM_024577.4 (MANE Select); coding-DNA position 3363, G replaced by A.
Protein change: p.Ala1121=; no amino-acid change (alanine 1121 retained).
Molecular consequence: synonymous variant.
Genome position (GRCh38, 1-based): chr5:149,008,966, C>T on the plus strand (G>A on the coding strand, the complement: SH3TC2 is on the minus strand). VCF-style: chr5-149008966-C-T. GRCh37 (hg19) VCF-style: chr5-148388529-C-T.
Other names: c.3363G>A (NM_024577.3).
Identifiers: ClinVar variation 624069 (VCV000624069.47), dbSNP rs547035706, ClinGen allele CA3498757.